The following is an entry in ClinVar:

ClinVar aggregate classification (germline): Likely pathogenic (1 of 4 stars; one submission).

Submission:

Centre of Medical Genetics, University Hospital Muenster
Classification: Likely pathogenic. Last evaluated: 2022-07-29. Review status: criteria provided, single submitter. Criteria: ACMG Guidelines, 2015. Collection method: clinical testing. Allele origin: de novo. Affected: yes. Observed: 1 variant allele, 1 heterozygote.
Comment: ACMG categories: PS2,PM2,PP3,BP1

NM_212482.4(FN1):c.6281C>T (p.Pro2094Leu)

Gene: FN1 (fibronectin 1; minus strand). Cytogenetic location: 2q35.
Variant type: single nucleotide variant.
Coding change: c.6281C>T on transcript NM_212482.4 (MANE Select); coding-DNA position 6281, C replaced by T.
Protein change: p.Pro2094Leu; replaces proline 2094 with leucine.
Molecular consequence: missense variant. On other transcripts: intron variant (9).
Genome position (GRCh38, 1-based): chr2:215,372,342, G>A on the plus strand (C>T on the coding strand, the complement: FN1 is on the minus strand). VCF-style: chr2-215372342-G-A. GRCh37 (hg19) VCF-style: chr2-216237065-G-A.
Other names: c.6281C>T, p.Pro2094Leu (NM_001306129.2); c.5738C>T, p.Pro1913Leu (NM_001306131.2, NM_212476.3); c.6011C>T, p.Pro2004Leu (NM_001365517.2, NM_001365521.2); c.6008C>T, p.Pro2003Leu (NM_001365518.2, NM_002026.4); c.5705-327C>T (NM_212474.3); c.5705-42C>T (NM_001306132.2, NM_001365523.2); c.5975-327C>T (NM_001365524.2); c.5975-42C>T (NM_212478.3, NM_001365520.2); and 2 more; short protein forms P1913L, P2003L, P2004L, P2094L.
Identifiers: ClinVar variation 1700693 (VCV001700693.2), dbSNP rs2106250495, ClinGen allele CA350467809.
Genomic context (GRCh38, chr2:215,372,342, plus strand): 5'-ACGAAAGGGGTCTTTTGAACTGTGGAAGGAACATCCAAGATCTCTGGTCCATGAAGATTG[G>A]GGTGTGGAAGGGTTACCAGTTGGGGAAGCTCGTCTAGCCGAGAGAGGTTAGAGCCAAAAA-3'
Protein context (NP_997647.2, residues 2084-2104): ELPQLVTLPH[Pro2094Leu]NLHGPEILDV